The following is an entry in ClinVar:

NM_006842.3(SF3B2):c.664C>T (p.Arg222Ter)

Gene: SF3B2 (splicing factor 3b subunit 2; plus strand). Cytogenetic location: 11q13.1.
Variant type: single nucleotide variant.
Coding change: c.664C>T on transcript NM_006842.3 (MANE Select); coding-DNA position 664, C replaced by T.
Protein change: p.Arg222Ter; replaces arginine 222 with a stop codon.
Molecular consequence: nonsense.
Genome position (GRCh38, 1-based): chr11:66,056,952, C>T. VCF-style: chr11-66056952-C-T. GRCh37 (hg19) VCF-style: chr11-65824423-C-T.
Other names: short protein forms R222*.
Identifiers: ClinVar variation 3254890 (VCV003254890.1), dbSNP rs2496000368.

ClinVar aggregate classification (germline): Pathogenic (1 of 4 stars; one submission).

Conditions:
Craniofacial microsomia 1 (CFM1). Also called: Hemifacial microsomia. Identifiers: Orphanet 374, MedGen C3495417, MONDO:0958175, OMIM 164210.

Allele frequency attached by ClinVar (database versions not stated): gnomAD exomes below 0.00001.

Submission:

Victorian Clinical Genetics Services, Murdoch Childrens Research Institute
Classification: Pathogenic for Craniofacial microsomia 1. Last evaluated: 2023-07-17. Review status: criteria provided, single submitter. Criteria: ACMG Guidelines, 2015. Collection method: clinical testing. Allele origin: germline. Inheritance: Autosomal dominant inheritance. Affected: yes.
Comment: Based on the classification scheme VCGS_Germline_v1.3.4, this variant is classified as Pathogenic. Following criteria are met: 0102 - Loss of function is a known mechanism of disease in this gene and is associated with craniofacial microsomia (MIM#164210). (I) 0107 - This gene is associated with autosomal dominant disease. (I) 0115 - Variants in this gene are known to have variable expressivity, with intrafamilial variability well reported (PMID: 34344887). (I) 0201 - Variant is predicted to cause nonsense-mediated decay (NMD) and loss of protein (premature termination codon is located at least 54 nucleotides upstream of the final exon-exon junction). (SP) 0251 - This variant is heterozygous. (I) 0301 - Variant is absent from gnomAD (both v2 and v3). (SP) 0702 - Other NMD-predicted variants comparable to the one identified in this case have strong previous evidence for pathogenicity. These variants have been reported as pathogenic, and observed in at least five individuals with craniofacial microsomia (ClinVar, PMID: 34344887). (SP) 0807 - This variant has no previous evidence of pathogenicity. (I) 0905 - No published segregation evidence has been identified for this variant. (I) 1007 - No published functional evidence has been identified for this variant. (I) 1208 - Inheritance information for this variant is not currently available in this individual. (I) Legend: (SP) - Supporting pathogenic, (I) - Information, (SB) - Supporting benign

Literature cited by the submitters: PubMed 34344887.